The following is an entry in ClinVar:

NM_201384.3(PLEC):c.730C>T (p.Pro244Ser)

Gene: PLEC (plectin; minus strand). Cytogenetic location: 8q24.3.
Variant type: single nucleotide variant.
Coding change: c.730C>T on transcript NM_201384.3 (MANE Select); coding-DNA position 730, C replaced by T.
Protein change: p.Pro244Ser; replaces proline 244 with serine.
Molecular consequence: missense variant.
Genome position (GRCh38, 1-based): chr8:143,935,106, G>A on the plus strand (C>T on the coding strand, the complement: PLEC is on the minus strand). VCF-style: chr8-143935106-G-A. GRCh37 (hg19) VCF-style: chr8-145009274-G-A.
Other names: c.811C>T, p.Pro271Ser (NM_000445.5, NM_001410941.1); c.688C>T, p.Pro230Ser (NM_201378.4); c.664C>T, p.Pro222Ser (NM_201379.3); c.1141C>T, p.Pro381Ser (NM_201380.4); c.634C>T, p.Pro212Ser (NM_201381.3); c.730C>T, p.Pro244Ser (NM_201382.4); c.742C>T, p.Pro248Ser (NM_201383.3); c.811C>T (NM_000445.3); short protein forms P212S, P222S, P230S, P244S, P248S, P271S, P381S.
Identifiers: ClinVar variation 2435078 (VCV002435078.6), dbSNP rs782283467, ClinGen allele CA4928330.

ClinVar aggregate classification (germline): Uncertain significance. Review status: criteria provided, multiple submitters, no conflicts (2 of 4 stars). 3 submissions from 3 submitters: Uncertain significance (3). Last evaluated 2025-08-01.

Conditions:
Epidermolysis bullosa simplex 5B, with muscular dystrophy (EBS5B). Also called: EPIDERMOLYSIS BULLOSA SIMPLEX AND LIMB-GIRDLE MUSCULAR DYSTROPHY; Epidermolysis bullosa simplex with muscular dystrophy. Identifiers: Orphanet 257, MedGen C2931072, MONDO:0009181, OMIM 226670.
Epidermolysis bullosa simplex with nail dystrophy (EBS5D). Identifiers: MedGen C4225309, MONDO:0014661, OMIM 616487.
Epidermolysis bullosa simplex 5C, with pyloric atresia (EBS5C). Also called: PLEC-Related Epidermolysis Bullosa with Pyloric Atresia; Epidermolysis bullosa simplex with pyloric atresia; PLEC1-Related Epidermolysis Bullosa with Pyloric Atresia. Identifiers: Orphanet 158684, MedGen C2677349, MONDO:0012807, OMIM 612138.
Autosomal recessive limb-girdle muscular dystrophy type 2Q (LGMDR17). Also called: MUSCULAR DYSTROPHY, LIMB-GIRDLE, AUTOSOMAL RECESSIVE 17. Identifiers: Orphanet 254361, MedGen C3150989, MONDO:0013390, OMIM 613723.
Epidermolysis bullosa simplex, Ogna type (EBS5A). Also called: EPIDERMOLYSIS BULLOSA SIMPLEX 5A, OGNA TYPE; Pidermolysis bullosa simplex 5A, Ogna type. Identifiers: Orphanet 79401, MedGen C0432317, MONDO:0007555, OMIM 131950.

Allele frequency attached by ClinVar (database versions not stated): gnomAD exomes below 0.00001; ExAC 0.00001; TOPMed 0.00001.
gnomAD v4.1: 3 of 1,612,980 alleles (0.00019%); highest among the groups gnomAD compares: African/African-American, 0.0013%; no homozygotes.

Submissions (3):

GeneDx
Classification: Uncertain significance. Last evaluated: 2025-08-01. Review status: criteria provided, single submitter. Criteria: GeneDx Variant Classification Process June 2021. Collection method: clinical testing. Allele origin: germline. Affected: yes.
Comment: Not observed at significant frequency in large population cohorts (gnomAD); In silico analysis supports that this missense variant has a deleterious effect on protein structure/function; Missense variant in a gene in which most reported pathogenic variants are truncating/loss of function; Has not been previously published as pathogenic or benign to our knowledge

Labcorp Genetics (formerly Invitae), Labcorp
Classification: Uncertain significance for Autosomal recessive limb-girdle muscular dystrophy type 2Q; Epidermolysis bullosa simplex, Ogna type; Epidermolysis bullosa simplex with nail dystrophy; Epidermolysis bullosa simplex 5C, with pyloric atresia; Epidermolysis bullosa simplex 5B, with muscular dystrophy. Last evaluated: 2025-01-06. Review status: criteria provided, single submitter. Criteria: Invitae Variant Classification Sherloc (09022015). Collection method: clinical testing. Allele origin: germline.
Comment: This sequence change replaces proline, which is neutral and non-polar, with serine, which is neutral and polar, at codon 271 of the PLEC protein (p.Pro271Ser). This variant is present in population databases (rs782283467, gnomAD no frequency). This variant has not been reported in the literature in individuals affected with PLEC-related conditions. ClinVar contains an entry for this variant (Variation ID: 2435078). Invitae Evidence Modeling of protein sequence and biophysical properties (such as structural, functional, and spatial information, amino acid conservation, physicochemical variation, residue mobility, and thermodynamic stability) indicates that this missense variant is not expected to disrupt PLEC protein function with a negative predictive value of 80%. In summary, the available evidence is currently insufficient to determine the role of this variant in disease. Therefore, it has been classified as a Variant of Uncertain Significance.

Revvity Omics, Revvity
Classification: Uncertain significance. Last evaluated: 2022-02-14. Review status: criteria provided, single submitter. Criteria: ACMG Guidelines, 2015. Collection method: clinical testing. Allele origin: germline.